The following is an entry in ClinVar:

NM_001365951.3(KIF1B):c.3145G>A (p.Val1049Ile)

Gene: KIF1B (kinesin family member 1B; plus strand). Cytogenetic location: 1p36.22.
Variant type: single nucleotide variant.
Coding change: c.3145G>A on transcript NM_001365951.3 (MANE Select); coding-DNA position 3145, G replaced by A.
Protein change: p.Val1049Ile; replaces valine 1049 with isoleucine.
Molecular consequence: missense variant.
Genome position (GRCh38, 1-based): chr1:10,337,089, G>A. VCF-style: chr1-10337089-G-A. GRCh37 (hg19) VCF-style: chr1-10397147-G-A.
Other names: c.3145G>A, p.Val1049Ile (NM_001365952.1); c.3007G>A, p.Val1003Ile (NM_015074.3); short protein forms V1049I, V1003I.
Identifiers: ClinVar variation 4543645 (VCV004543645.1).

ClinVar aggregate classification (germline): Uncertain significance (1 of 4 stars; one submission).

Submission:

Ambry Genetics
Classification: Uncertain significance. Last evaluated: 2025-10-14. Review status: criteria provided, single submitter. Criteria: Ambry Variant Classification Scheme 2023. Collection method: clinical testing. Allele origin: germline.
Comment: The p.V1003I variant (also known as c.3007G>A), located in coding exon 27 of the KIF1B gene, results from a G to A substitution at nucleotide position 3007. The valine at codon 1003 is replaced by isoleucine, an amino acid with highly similar properties. This amino acid position is conserved. In addition, this alteration is predicted to be tolerated by in silico analysis. Based on the available evidence, the clinical significance of this variant remains unclear.